The following is an entry in ClinVar:

ClinVar aggregate classification (germline): Benign/Likely benign. Review status: criteria provided, multiple submitters, no conflicts (2 of 4 stars). 5 submissions from 5 submitters: Benign (1); Likely benign (3). 1 of the submissions does not count toward it. Last evaluated 2026-03-01.

Conditions:
KMT2A-related disorder. Also called: KMT2A-related condition.

Allele frequency attached by ClinVar (database versions not stated): gnomAD exomes 0.00008 and 0.00017; ExAC 0.00019; ESP Exome Variant Server 0.00054; gnomAD 0.00069 and 0.00071; TOPMed 0.00074; 1000 Genomes Project 0.00080; 1000 Genomes Project 30x 0.00109.
gnomAD v4.1: 216 of 1,613,958 alleles (0.013%); highest among the groups gnomAD compares: African/African-American, 0.27%; no homozygotes.

Submissions (5):

CeGaT Center for Human Genetics Tuebingen
Classification: Likely benign. Last evaluated: 2026-03-01. Review status: criteria provided, single submitter. Criteria: CeGaT Center For Human Genetics Tuebingen Variant Classification Criteria Version 2. Collection method: clinical testing. Allele origin: germline. Affected: yes. Observed: 1 variant allele.
Comment: KMT2A: BP4, BS1

Labcorp Genetics (formerly Invitae), Labcorp
Classification: Likely benign. Last evaluated: 2025-12-31. Review status: criteria provided, single submitter. Criteria: Invitae Variant Classification Sherloc (09022015). Collection method: clinical testing. Allele origin: germline.

Blueprint Genetics
Classification: Likely benign. Last evaluated: 2023-05-24. Review status: criteria provided, single submitter. Criteria: ACMG Guidelines, 2015. Collection method: clinical testing. Allele origin: germline.

GeneDx
Classification: Benign. Last evaluated: 2020-06-07. Review status: criteria provided, single submitter. Criteria: GeneDx Variant Classification Process June 2021. Collection method: clinical testing. Allele origin: germline. Affected: yes.

PreventionGenetics, part of Exact Sciences
Classification: Likely benign for KMT2A-related condition. Last evaluated: 2019-07-30. Review status: no assertion criteria provided. Collection method: clinical testing. Allele origin: germline. Not counted in ClinVar's aggregate classification.
Comment: This variant is classified as likely benign based on ACMG/AMP sequence variant interpretation guidelines (Richards et al. 2015 PMID: 25741868, with internal and published modifications).

NM_001197104.2(KMT2A):c.7304C>G (p.Ser2435Cys)

Gene: KMT2A (lysine methyltransferase 2A; plus strand). Cytogenetic location: 11q23.3.
Variant type: single nucleotide variant.
Coding change: c.7304C>G on transcript NM_001197104.2 (MANE Select); coding-DNA position 7304, C replaced by G.
Protein change: p.Ser2435Cys; replaces serine 2435 with cysteine.
Molecular consequence: missense variant.
Genome position (GRCh38, 1-based): chr11:118,503,196, C>G. VCF-style: chr11-118503196-C-G. GRCh37 (hg19) VCF-style: chr11-118373911-C-G.
Other names: c.7295C>G, p.Ser2432Cys (NM_005933.4); short protein forms S2435C, S2432C.
Identifiers: ClinVar variation 789042 (VCV000789042.18), dbSNP rs76721917, ClinGen allele CA6304383.